The following is an entry in ClinVar:

NM_015141.4(GPD1L):c.48G>A (p.Trp16Ter)

Gene: GPD1L (glycerol-3-phosphate dehydrogenase 1 like; plus strand). Cytogenetic location: 3p22.3.
Variant type: single nucleotide variant.
Coding change: c.48G>A on transcript NM_015141.4 (MANE Select); coding-DNA position 48, G replaced by A.
Protein change: p.Trp16Ter; replaces tryptophan 16 with a stop codon.
Molecular consequence: nonsense.
Genome position (GRCh38, 1-based): chr3:32,128,076, G>A. VCF-style: chr3-32128076-G-A. GRCh37 (hg19) VCF-style: chr3-32169568-G-A.
Other names: short protein forms W16*.
Identifiers: ClinVar variation 3713071 (VCV003713071.2).

ClinVar aggregate classification (germline): Uncertain significance (1 of 4 stars; one submission).

Conditions:
Brugada syndrome. Also called: Sudden unexpected nocturnal death syndrome; Sudden unexplained nocturnal death syndrome; Sudden Unexplained Death Syndrome; Sudden Unexplained Nocturnal Death Syndrome (SUNDS). Identifiers: Orphanet 130, MedGen C1142166, MONDO:0015263.

Submission:

Labcorp Genetics (formerly Invitae), Labcorp
Classification: Uncertain significance for Brugada syndrome. Last evaluated: 2025-01-17. Review status: criteria provided, single submitter. Criteria: Invitae Variant Classification Sherloc (09022015). Collection method: clinical testing. Allele origin: germline.
Comment: This sequence change creates a premature translational stop signal (p.Trp16*) in the GPD1L gene. It is expected to result in an absent or disrupted protein product. However, the current clinical and genetic evidence is not sufficient to establish whether loss-of-function variants in GPD1L cause disease. This variant is not present in population databases (gnomAD no frequency). This variant has not been reported in the literature in individuals affected with GPD1L-related conditions. In summary, the available evidence is currently insufficient to determine the role of this variant in disease. Therefore, it has been classified as a Variant of Uncertain Significance.